The following is an entry in ClinVar:

NM_145262.4(GLYCTK):c.239dup (p.Asn80fs)

Gene: GLYCTK (glycerate kinase; plus strand). Cytogenetic location: 3p21.2.
Variant type: Duplication.
Coding change: c.239dup on transcript NM_145262.4 (MANE Select); coding-DNA position 239, one base duplicated (A; older notation c.239dupA).
Protein change: p.Asn80fs; shifts the reading frame from asparagine 80.
Molecular consequence: frameshift variant. On other transcripts: non-coding transcript variant (3).
Genome position (GRCh38, 1-based): chr3:52,290,581, A duplicated; the last of 4 consecutive A bases (chr3:52,290,578-52,290,581); duplicating any one gives the same sequence. VCF-style (leftmost placement, unchanged base first): chr3-52290577-C-CA. GRCh37 (hg19) VCF-style: chr3-52324593-C-CA.
Other names: c.239dup, p.Asn80fs (NM_001144951.2); short protein forms N80fs.
Identifiers: ClinVar variation 1190244 (VCV001190244.2), dbSNP rs760836671, ClinGen allele CA2432015.

ClinVar aggregate classification (germline): Likely pathogenic (1 of 4 stars; one submission).

Submission:

GeneDx
Classification: Likely pathogenic. Last evaluated: 2020-01-15. Review status: criteria provided, single submitter. Criteria: GeneDx Variant Classification Process June 2021. Collection method: clinical testing. Allele origin: germline. Affected: yes.
Comment: Frameshift variant predicted to result in protein truncation or nonsense mediated decay in a gene for which loss-of-function is a known mechanism of disease; Not observed at a significant frequency in large population cohorts (Lek et al., 2016); Has not been previously published as pathogenic or benign to our knowledge